The following is an entry in ClinVar:

ClinVar aggregate classification (germline): Uncertain significance (1 of 4 stars; one submission).

gnomAD v4.1: 39 of 1,614,068 alleles (0.0024%); highest among the groups gnomAD compares: Admixed American, 0.047%; 1 homozygote.

Submission:

Labcorp Genetics (formerly Invitae), Labcorp
Classification: Uncertain significance. Last evaluated: 2025-02-18. Review status: criteria provided, single submitter. Criteria: Invitae Variant Classification Sherloc (09022015). Collection method: clinical testing. Allele origin: germline.
Comment: This sequence change replaces valine, which is neutral and non-polar, with methionine, which is neutral and non-polar, at codon 45 of the LIG1 protein (p.Val45Met). This variant is present in population databases (rs751867414, gnomAD 0.02%). This variant has not been reported in the literature in individuals affected with LIG1-related conditions. An algorithm developed to predict the effect of missense changes on protein structure and function outputs the following: PolyPhen-2: "Benign". The methionine amino acid residue is found in multiple mammalian species, which suggests that this missense change does not adversely affect protein function. In summary, the available evidence is currently insufficient to determine the role of this variant in disease. Therefore, it has been classified as a Variant of Uncertain Significance.

NM_000234.3(LIG1):c.133G>A (p.Val45Met)

Gene: LIG1 (DNA ligase 1; minus strand). Cytogenetic location: 19q13.33.
Variant type: single nucleotide variant.
Coding change: c.133G>A on transcript NM_000234.3 (MANE Select); coding-DNA position 133, G replaced by A.
Protein change: p.Val45Met; replaces valine 45 with methionine.
Molecular consequence: missense variant. On other transcripts: non-coding transcript variant (6).
Genome position (GRCh38, 1-based): chr19:48,161,482, C>T on the plus strand (G>A on the coding strand, the complement: LIG1 is on the minus strand). VCF-style: chr19-48161482-C-T. GRCh37 (hg19) VCF-style: chr19-48664739-C-T.
Other names: c.43G>A, p.Val15Met (NM_001289063.2, NM_001320971.2); c.133G>A, p.Val45Met (NM_001289064.2, NM_001320970.2); short protein forms V15M, V45M.
Identifiers: ClinVar variation 3617085 (VCV003617085.2).